The following is an entry in ClinVar:

NM_013382.7(POMT2):c.1183+6G>C

Gene: POMT2 (protein O-mannosyltransferase 2; minus strand). Cytogenetic location: 14q24.3.
Variant type: single nucleotide variant.
Coding change: c.1183+6G>C on transcript NM_013382.7 (MANE Select); 6 bases into the intron after coding-DNA position 1183, G replaced by C.
Molecular consequence: intron variant.
Genome position (GRCh38, 1-based): chr14:77,291,308, C>G on the plus strand (G>C on the coding strand, the complement: POMT2 is on the minus strand). VCF-style: chr14-77291308-C-G. GRCh37 (hg19) VCF-style: chr14-77757651-C-G.
Identifiers: ClinVar variation 884796 (VCV000884796.6), dbSNP rs1381239018, ClinGen allele CA615200094.

ClinVar aggregate classification (germline): Uncertain significance. Review status: criteria provided, multiple submitters, no conflicts (2 of 4 stars). 2 submissions from 2 submitters: Uncertain significance (2). Last evaluated 2025-04-30.

Conditions:
Autosomal recessive limb-girdle muscular dystrophy type 2N. Also called: Muscular dystrophy-dystroglycanopathy (limb-girdle), type C, 2; MUSCULAR DYSTROPHY-DYSTROGLYCANOPATHY, LIMB-GIRDLE, POMT2-RELATED. Identifiers: Orphanet 206559, MedGen C3150418, MONDO:0013162, OMIM 613158.
Muscular dystrophy-dystroglycanopathy (congenital with brain and eye anomalies), type A2. Also called: MUSCULAR DYSTROPHY-DYSTROGLYCANOPATHY (CONGENITAL WITH BRAIN AND EYE ANOMALIES), TYPE A, 2; WALKER-WARBURG SYNDROME OR MUSCLE-EYE-BRAIN DISEASE, POMT2-RELATED. Identifiers: Orphanet 588, Orphanet 899, MedGen C3150411, MONDO:0013154, OMIM 613150.
Muscular dystrophy-dystroglycanopathy (congenital with impaired intellectual development), type B, 2. Also called: MUSCULAR DYSTROPHY, CONGENITAL, POMT2-RELATED; Muscular dystrophy-dystroglycanopathy (congenital with intellectual disability), type B2. Identifiers: MedGen C3150416, MONDO:0013160, OMIM 613156.

Allele frequency attached by ClinVar (database versions not stated): gnomAD 0.00001; gnomAD exomes 0.00002; TOPMed below 0.00001.
gnomAD v4.1: 68 of 1,606,012 alleles (0.0042%); highest among the groups gnomAD compares: Non-Finnish European, 0.0054%; no homozygotes.

Submissions (2):

Labcorp Genetics (formerly Invitae), Labcorp
Classification: Uncertain significance for Muscular dystrophy-dystroglycanopathy (congenital with impaired intellectual development), type B, 2; Muscular dystrophy-dystroglycanopathy (congenital with brain and eye anomalies), type A2; Autosomal recessive limb-girdle muscular dystrophy type 2N. Last evaluated: 2025-04-30. Review status: criteria provided, single submitter. Criteria: Invitae Variant Classification Sherloc (09022015). Collection method: clinical testing. Allele origin: germline.
Comment: This sequence change falls in intron 10 of the POMT2 gene. It does not directly change the encoded amino acid sequence of the POMT2 protein. It affects a nucleotide within the consensus splice site. This variant is present in population databases (no rsID available, gnomAD 0.005%). This variant has not been reported in the literature in individuals affected with POMT2-related conditions. ClinVar contains an entry for this variant (Variation ID: 884796). Variants that disrupt the consensus splice site are a relatively common cause of aberrant splicing (PMID: 17576681, 9536098). Algorithms developed to predict the effect of sequence changes on RNA splicing suggest that this variant is not likely to affect RNA splicing. In summary, the available evidence is currently insufficient to determine the role of this variant in disease. Therefore, it has been classified as a Variant of Uncertain Significance.

Illumina Laboratory Services, Illumina
Classification: Uncertain significance for Autosomal recessive limb-girdle muscular dystrophy type 2N. Last evaluated: 2018-02-02. Review status: criteria provided, single submitter. Criteria: ICSL Variant Classification Criteria 13 December 2019. Collection method: clinical testing. Allele origin: germline.

Literature cited by the submitters: PubMed 17576681 (cited by Labcorp Genetics (formerly Invitae), Labcorp); PubMed 9536098 (cited by Labcorp Genetics (formerly Invitae), Labcorp).